The following is an entry in ClinVar:

ClinVar aggregate classification (germline): Uncertain significance (1 of 4 stars; one submission).

Submission:

GeneDx
Classification: Uncertain significance. Last evaluated: 2019-04-16. Review status: criteria provided, single submitter. Criteria: GeneDx Variant Classification Process June 2021. Collection method: clinical testing. Allele origin: germline. Affected: yes.
Comment: Not observed in large population cohorts (Lek et al., 2016); In silico analysis, which includes protein predictors and evolutionary conservation, supports a deleterious effect; Has not been previously published as pathogenic or benign to our knowledge

NM_003718.5(CDK13):c.2572C>G (p.Leu858Val)

Gene: CDK13 (cyclin dependent kinase 13; plus strand). Cytogenetic location: 7p14.1.
Variant type: single nucleotide variant.
Coding change: c.2572C>G on transcript NM_003718.5 (MANE Select); coding-DNA position 2572, C replaced by G.
Protein change: p.Leu858Val; replaces leucine 858 with valine.
Molecular consequence: missense variant.
Genome position (GRCh38, 1-based): chr7:40,047,849, C>G. VCF-style: chr7-40047849-C-G. GRCh37 (hg19) VCF-style: chr7-40087448-C-G.
Other names: c.2572C>G, p.Leu858Val (NM_031267.4); short protein forms L858V.
Identifiers: ClinVar variation 1303504 (VCV001303504.2), dbSNP rs2150517047, ClinGen allele CA367280871.